The following is an entry in ClinVar:

ClinVar aggregate classification (germline): Pathogenic (1 of 4 stars; one submission).

Conditions:
Fetal anomalies with a likely genetic cause.

Submission:

Genetics Laboratory, Great Ormond Street Hospital NHS Foundation Trust, North Thames Genomic Laboratory Hub
Classification: Pathogenic for Fetal anomalies with a likely genetic cause. Last evaluated: 2026-07-02. Review status: criteria provided, single submitter. Criteria: ACGS Best Practice Guidelines for Variant Classification in Rare Disease 2024 v1.2. Collection method: clinical testing. Allele origin: germline. Affected: yes.
Comment: PM2_moderate, PVS1_very-strong

NM_138927.4(SON):c.4799del (p.Ala1600fs)

Gene: SON (SON DNA and RNA binding protein; plus strand). Cytogenetic location: 21q22.11.
Variant type: Deletion.
Coding change: c.4799del on transcript NM_138927.4 (MANE Select); coding-DNA position 4799, one base deleted (C; older notation c.4799delC).
Protein change: p.Ala1600fs; shifts the reading frame from alanine 1600.
Molecular consequence: frameshift variant. On other transcripts: non-coding transcript variant (1), intron variant (1).
Genome position (GRCh38, 1-based): chr21:33,554,030, C deleted. VCF-style (leftmost placement, unchanged base first): chr21-33554029-GC-G. GRCh37 (hg19) VCF-style: chr21-34926335-GC-G.
Other names: c.4799del, p.Ala1600fs (NM_001291411.2, NM_032195.3); c.245-3126del (NM_001291412.3); short protein forms A1600fs.
Identifiers: ClinVar variation 4887006 (VCV004887006.1).